The following is an entry in ClinVar:

NM_012193.4(FZD4):c.571T>C (p.Tyr191His)

Genes: FZD4 (frizzled class receptor 4; minus strand), PRSS23 (serine protease 23; plus strand). Cytogenetic location: 11q14.2.
Variant type: single nucleotide variant.
Coding change: c.571T>C on transcript NM_012193.4 (MANE Select); coding-DNA position 571, T replaced by C.
Protein change: p.Tyr191His; replaces tyrosine 191 with histidine.
Molecular consequence: missense variant. On other transcripts: non-coding transcript variant (2).
Genome position (GRCh38, 1-based): chr11:86,952,185, A>G on the plus strand (T>C on the coding strand, the complement: FZD4 is on the minus strand). VCF-style: chr11-86952185-A-G. GRCh37 (hg19) VCF-style: chr11-86663227-A-G.
Other names: short protein forms Y191H.
Identifiers: ClinVar variation 2444633 (VCV002444633.1), dbSNP rs2495868415, ClinGen allele CA382015563.

ClinVar aggregate classification (germline): Uncertain significance (1 of 4 stars; one submission).

gnomAD v4.1: 4 of 1,613,030 alleles (0.00025%); highest among the groups gnomAD compares: Non-Finnish European, 0.00025%; no homozygotes.

Submission:

GeneDx
Classification: Uncertain significance. Last evaluated: 2022-08-29. Review status: criteria provided, single submitter. Criteria: GeneDx Variant Classification Process June 2021. Collection method: clinical testing. Allele origin: germline. Affected: yes.
Comment: Not observed at significant frequency in large population cohorts (gnomAD); In silico analysis supports that this missense variant does not alter protein structure/function; Has not been previously published as pathogenic or benign to our knowledge; In-silico analysis is inconclusive as to whether the variant alters gene splicing. In the absence of RNA/functional studies, the actual effect of this sequence change is unknown.